The following is an entry in ClinVar:

ClinVar aggregate classification (germline): Uncertain significance (1 of 4 stars; one submission).

Conditions:
Autosomal recessive limb-girdle muscular dystrophy type 2L (LGMDR12). Also called: Limb-Girdle Muscular Dystrophy R12 Anoctamin-5-Related (LGMD-R12); MUSCULAR DYSTROPHY, LIMB-GIRDLE, AUTOSOMAL RECESSIVE 12; Limb-girdle muscular dystrophy, type 2L. Identifiers: Orphanet 206549, MedGen C1969785, MONDO:0012652, OMIM 611307.
Gnathodiaphyseal dysplasia (GDD). Also called: GNATHODIAPHYSEAL SCLEROSIS; OSTEOGENESIS IMPERFECTA WITH UNUSUAL SKELETAL LESIONS. Identifiers: Orphanet 53697, MedGen C1833736, MONDO:0008151, OMIM 166260.

Allele frequency attached by ClinVar (database versions not stated): gnomAD 0.00001; TOPMed 0.00001; ExAC 0.00007; 1000 Genomes Project 30x 0.00016.
gnomAD v4.1: 52 of 1,613,170 alleles (0.0032%); highest among the groups gnomAD compares: Non-Finnish European, 0.0042%; no homozygotes.

Submission:

Labcorp Genetics (formerly Invitae), Labcorp
Classification: Uncertain significance for Autosomal recessive limb-girdle muscular dystrophy type 2L; Gnathodiaphyseal dysplasia. Last evaluated: 2025-10-10. Review status: criteria provided, single submitter. Criteria: Invitae Variant Classification Sherloc (09022015). Collection method: clinical testing. Allele origin: germline.
Comment: This sequence change replaces leucine, which is neutral and non-polar, with phenylalanine, which is neutral and non-polar, at codon 6 of the ANO5 protein (p.Leu6Phe). This variant is present in population databases (rs748716904, gnomAD 0.006%). This variant has not been reported in the literature in individuals affected with ANO5-related conditions. ClinVar contains an entry for this variant (Variation ID: 2923923). Invitae Evidence Modeling of protein sequence and biophysical properties (such as structural, functional, and spatial information, amino acid conservation, physicochemical variation, residue mobility, and thermodynamic stability) indicates that this missense variant is expected to disrupt ANO5 protein function with a positive predictive value of 95%. In summary, the available evidence is currently insufficient to determine the role of this variant in disease. Therefore, it has been classified as a Variant of Uncertain Significance.

NM_213599.3(ANO5):c.16C>T (p.Leu6Phe)

Gene: ANO5 (anoctamin 5; plus strand). Cytogenetic location: 11p14.3.
Variant type: single nucleotide variant.
Coding change: c.16C>T on transcript NM_213599.3 (MANE Select); coding-DNA position 16, C replaced by T.
Protein change: p.Leu6Phe; replaces leucine 6 with phenylalanine.
Molecular consequence: missense variant.
Genome position (GRCh38, 1-based): chr11:22,193,508, C>T. VCF-style: chr11-22193508-C-T. GRCh37 (hg19) VCF-style: chr11-22215054-C-T.
Other names: c.16C>T, p.Leu6Phe (NM_001142649.2, NM_001410963.1, NM_001410964.1); short protein forms L6F.
Identifiers: ClinVar variation 2923923 (VCV002923923.3), dbSNP rs748716904, ClinGen allele CA5922738.